The following is an entry in ClinVar:

NM_001347721.2(DYRK1A):c.1915G>T (p.Val639Phe)

Gene: DYRK1A (dual specificity tyrosine phosphorylation regulated kinase 1A; plus strand). Cytogenetic location: 21q22.13.
Variant type: single nucleotide variant.
Coding change: c.1915G>T on transcript NM_001347721.2 (MANE Select); coding-DNA position 1915, G replaced by T.
Protein change: p.Val639Phe; replaces valine 639 with phenylalanine.
Molecular consequence: missense variant. On other transcripts: 3 prime UTR variant (2).
Genome position (GRCh38, 1-based): chr21:37,512,181, G>T. VCF-style: chr21-37512181-G-T. GRCh37 (hg19) VCF-style: chr21-38884484-G-T.
Other names: c.1915G>T, p.Val639Phe (NM_001347722.2, NM_130436.2); c.1828G>T, p.Val610Phe (NM_001347723.2); c.1942G>T, p.Val648Phe (NM_001396.5); c.*318G>T (NM_101395.2); c.*227G>T (NM_130438.2); short protein forms V610F, V639F, V648F.
Identifiers: ClinVar variation 4282175 (VCV004282175.1).
Genomic context (GRCh38, chr21:37,512,181, plus strand): 5'-ACCAGGCCAAGGGTCTACAATTCTCCAACGAATAGCTCCTCTACCCAAGATTCTATGGAG[G>T]TTGGCCACAGTCACCACTCCATGACATCCCTGTCTTCCTCAACGACTTCTTCCTCGACAT-3'
Protein context (NP_001334650.1, residues 629-649): NSSSTQDSME[Val639Phe]GHSHHSMTSL

ClinVar aggregate classification (germline): Uncertain significance (1 of 4 stars; one submission).

Submission:

GeneDx
Classification: Uncertain significance. Last evaluated: 2025-04-14. Review status: criteria provided, single submitter. Criteria: GeneDx Variant Classification Process June 2021. Collection method: clinical testing. Allele origin: germline. Affected: yes.
Comment: Not observed at significant frequency in large population cohorts (gnomAD); In silico analysis indicates that this missense variant does not alter protein structure/function; Has not been previously published as pathogenic or benign to our knowledge